The following is an entry in ClinVar:

ClinVar aggregate classification (germline): Uncertain significance (1 of 4 stars; one submission).

gnomAD v4.1: 1 of 1,583,876 alleles (0.000063%); highest among the groups gnomAD compares: Non-Finnish European, 0.000086%; no homozygotes.

Submission:

CeGaT Center for Human Genetics Tuebingen
Classification: Uncertain significance. Last evaluated: 2026-06-01. Review status: criteria provided, single submitter. Criteria: CeGaT Center For Human Genetics Tuebingen Variant Classification Criteria Version 2. Collection method: clinical testing. Allele origin: germline. Affected: yes. Observed: 1 variant allele.
Comment: EMILIN1: PM2, BP4

NM_007046.4(EMILIN1):c.875G>T (p.Arg292Leu)

Gene: EMILIN1 (elastin microfibril interfacer 1; plus strand). Cytogenetic location: 2p23.3.
Variant type: single nucleotide variant.
Coding change: c.875G>T on transcript NM_007046.4 (MANE Select); coding-DNA position 875, G replaced by T.
Protein change: p.Arg292Leu; replaces arginine 292 with leucine.
Molecular consequence: missense variant.
Genome position (GRCh38, 1-based): chr2:27,082,446, G>T. VCF-style: chr2-27082446-G-T. GRCh37 (hg19) VCF-style: chr2-27305314-G-T.
Other names: short protein forms R292L.
Identifiers: ClinVar variation 4874368 (VCV004874368.2).